The following is an entry in ClinVar:

NM_001048174.2(MUTYH):c.1478A>G (p.Lys493Arg)

Gene: MUTYH (mutY DNA glycosylase; minus strand). Cytogenetic location: 1p34.1.
Variant type: single nucleotide variant.
Coding change: c.1478A>G on transcript NM_001048174.2 (MANE Select); coding-DNA position 1478, A replaced by G.
Protein change: p.Lys493Arg; replaces lysine 493 with arginine.
Molecular consequence: missense variant. On other transcripts: non-coding transcript variant (7).
Genome position (GRCh38, 1-based): chr1:45,329,394, T>C on the plus strand (A>G on the coding strand, the complement: MUTYH is on the minus strand). VCF-style: chr1-45329394-T-C. GRCh37 (hg19) VCF-style: chr1-45795066-T-C.
Other names: c.1478A>G, p.Lys493Arg (NM_001048171.2, NM_001048173.2, NM_001293195.2 and 6 more transcripts); c.1481A>G, p.Lys494Arg (NM_001048172.2, NM_001407071.1, NM_001407078.1 and 1 more transcripts); c.1562A>G, p.Lys521Arg (NM_001128425.2); c.1523A>G, p.Lys508Arg (NM_001293190.2); c.1511A>G, p.Lys504Arg (NM_001293191.2, NM_001407069.1, NM_001407077.1); c.1202A>G, p.Lys401Arg (NM_001293192.2, NM_001293196.2, NM_001407091.1); c.1133A>G, p.Lys378Arg (NM_001350650.2, NM_001350651.2, NM_001407082.1); c.1394A>G, p.Lys465Arg (NM_001407075.1); and 5 more; short protein forms K401R, K493R, K507R, K480R, K504R, K508R, K521R, K465R.
Identifiers: ClinVar variation 4113367 (VCV004113367.1).

ClinVar aggregate classification (germline): Uncertain significance (1 of 4 stars; one submission).

Conditions:
Hereditary cancer-predisposing syndrome. Also called: Tumor predisposition; Neoplastic Syndromes, Hereditary; Hereditary neoplastic syndrome; Hereditary Cancer Syndrome. Identifiers: Orphanet 140162, MedGen C0027672, MeSH D009386, MONDO:0015356.

Submission:

Ambry Genetics
Classification: Uncertain significance for Hereditary cancer-predisposing syndrome. Last evaluated: 2025-08-27. Review status: criteria provided, single submitter. Criteria: Ambry Variant Classification Scheme 2023. Collection method: clinical testing. Allele origin: germline.
Comment: The p.K521R variant (also known as c.1562A>G), located in coding exon 16 of the MUTYH gene, results from an A to G substitution at nucleotide position 1562. The lysine at codon 521 is replaced by arginine, an amino acid with highly similar properties. This amino acid position is conserved. In addition, this alteration is predicted to be tolerated by in silico analysis. Based on the available evidence, the clinical significance of this variant remains unclear.